The following is an entry in ClinVar:

ClinVar aggregate classification (germline): Likely benign. Review status: criteria provided, multiple submitters, no conflicts (2 of 4 stars). 4 submissions from 4 submitters: Likely benign (4). Last evaluated 2025-04-29.

Conditions:
Hereditary spastic paraplegia 7 (SPG7). Also called: Spastic paraplegia 7; Hereditary spastic paraplegia Paraplegin type; SPASTIC PARAPLEGIA 7, AUTOSOMAL RECESSIVE, WITH OR WITHOUT CEREBELLAR ATAXIA; Autosomal recessive spastic paraplegia type 7; SPG7-related neurologic disorder. Identifiers: Orphanet 99013, MedGen C1846564, MONDO:0011803, OMIM 607259.

Allele frequency attached by ClinVar (database versions not stated): gnomAD exomes 0.00010 and 0.00005; ExAC 0.00013; 1000 Genomes Project 30x 0.00016; 1000 Genomes Project 0.00020; TOPMed 0.00001; gnomAD 0.00003 and below 0.00001.

Submissions (4):

Mayo Clinic Laboratories, Mayo Clinic
Classification: Likely benign. Last evaluated: 2025-04-29. Review status: criteria provided, single submitter. Criteria: ACMG Guidelines, 2015. Collection method: clinical testing. Allele origin: germline. Observed: 1 variant allele.
Comment: BP4, BP7

Labcorp Genetics (formerly Invitae), Labcorp
Classification: Likely benign for Hereditary spastic paraplegia 7. Last evaluated: 2024-06-08. Review status: criteria provided, single submitter. Criteria: Invitae Variant Classification Sherloc (09022015). Collection method: clinical testing. Allele origin: germline.

Blueprint Genetics
Classification: Likely benign. Last evaluated: 2023-09-11. Review status: criteria provided, single submitter. Criteria: ACMG Guidelines, 2015. Collection method: clinical testing. Allele origin: germline.

GeneDx
Classification: Likely benign. Last evaluated: 2017-10-05. Review status: criteria provided, single submitter. Criteria: GeneDx Variant Classification (06012015). Collection method: clinical testing. Allele origin: germline. Affected: yes.
Comment: This variant is considered likely benign or benign based on one or more of the following criteria: it is a conservative change, it occurs at a poorly conserved position in the protein, it is predicted to be benign by multiple in silico algorithms, and/or has population frequency not consistent with disease.

NM_003119.4(SPG7):c.1014C>T (p.Gly338=)

Gene: SPG7 (SPG7 matrix AAA peptidase subunit, paraplegin; plus strand). Cytogenetic location: 16q24.3.
Variant type: single nucleotide variant.
Coding change: c.1014C>T on transcript NM_003119.4 (MANE Select); coding-DNA position 1014, C replaced by T.
Protein change: p.Gly338=; no amino-acid change (glycine 338 retained).
Molecular consequence: synonymous variant.
Genome position (GRCh38, 1-based): chr16:89,531,930, C>T. VCF-style: chr16-89531930-C-T. GRCh37 (hg19) VCF-style: chr16-89598338-C-T.
Other names: p.Gly338=; c.1014C>T, p.Gly338= (NM_001363850.1, NM_199367.3).
Identifiers: ClinVar variation 516687 (VCV000516687.5), dbSNP rs576575379, ClinGen allele CA8243905.